The following is an entry in ClinVar:

NM_000545.8(HNF1A):c.798C>G (p.Asn266Lys)

Gene: HNF1A (HNF1 homeobox A; plus strand). Cytogenetic location: 12q24.31.
Variant type: single nucleotide variant.
Coding change: c.798C>G on transcript NM_000545.8 (MANE Select); coding-DNA position 798, C replaced by G.
Protein change: p.Asn266Lys; replaces asparagine 266 with lysine.
Molecular consequence: missense variant.
Genome position (GRCh38, 1-based): chr12:120,994,248, C>G. VCF-style: chr12-120994248-C-G. GRCh37 (hg19) VCF-style: chr12-121432051-C-G.
Other names: NM_001306179.2:c.798C>G; c.798C>G, p.Asn266Lys (NM_001306179.2); c.798C>G (NM_000545.6); short protein forms N266K.
Identifiers: ClinVar variation 1327591 (VCV001327591.6), dbSNP rs2135841730, ClinGen allele CA386966233.

ClinVar aggregate classification (germline): Uncertain significance. Review status: reviewed by expert panel (3 of 4 stars). 2 submissions from 2 submitters: Uncertain significance (1). 1 of the submissions does not count toward it. Last evaluated 2025-08-05.

Conditions:
HNF1A-related disorder. Also called: HNF1A-related condition.
Monogenic diabetes. Identifiers: Orphanet 183625, MedGen C3888631, MONDO:0015967.

Submissions (2):

ClinGen Monogenic Diabetes Variant Curation Expert Panel
Classification: Uncertain significance for Monogenic diabetes. Last evaluated: 2025-08-05. Review status: reviewed by expert panel. Criteria: ClinGen Diabetes ACMG Specifications HNF1A V3.0.0. Collection method: curation. Allele origin: germline. Inheritance: Autosomal dominant inheritance.
Comment: The c.798C>G variant in the HNF1 homeobox A gene, HNF1A, causes an amino acid change of asparagine to lysine at codon 266 (p.(Asn266Lys)) of NM_000545.8. This variant is located within the DNA binding domain (codons 201-280) of HNF1A, which is defined as critical for the protein's function by the ClinGen MDEP (PM1_Supporting), and is predicted to be deleterious by computational evidence, with a REVEL score of 0.837, which is greater than the MDEP threshold of 0.70 (PP3). This variant is absent in gnomAD v2.1.1 and v4.1.0 (PM2_Supporting). This variant was identified in an individual with diabetes; however, the calculated MODY probability is <50%, and PS4_Moderate cannot be applied because this number is below the ClinGen MDEP threshold (PMID: 18003757, internal lab contributor). Another missense variant at the same residue, c.797A>G p.(Asn266Ser) has been classified as a VUS by the ClinGen MDEP; therefore, PM5 will not be applied. In summary, this evidence supports the classification of c.798C>G as a variant of uncertain significance for monogenic diabetes. ACMG/AMP criteria applied, as specified by the ClinGen MDEP VCEP (specification version 3.0.0, approved 6/30/2025): PP3, PM1_Supporting, PM2_Supporting.

PreventionGenetics, part of Exact Sciences
Classification: Uncertain significance for HNF1A-related condition. Last evaluated: 2024-02-07. Review status: no assertion criteria provided. Collection method: clinical testing. Allele origin: germline. Not counted in ClinVar's aggregate classification.
Comment: The HNF1A c.798C>G variant is predicted to result in the amino acid substitution p.Asn266Lys. This variant has been reported in an individual with maturity-onset diabetes of the young (Table 1, Bellanne-Chantelot et al. 2008. PubMed ID: 18003757). This variant has not been reported in a large population database, indicating this variant is rare. An alternate nucleotide substitution affecting the same amino acid (p.Asn266Ser) has been reported in an individual with maturity-onset diabetes of the young (Table 2, Colclough et al. 2013. PubMed ID: 23348805). Although we suspect that the c.798C>G (p.Asn266Lys) variant may be pathogenic, at this time, the clinical significance of this variant is uncertain due to the absence of conclusive functional and genetic evidence.

Literature cited by the submitters: PubMed 18003757 (cited by ClinGen Monogenic Diabetes Variant Curation Expert Panel).